The following is an entry in ClinVar:

NM_016239.4(MYO15A):c.7118-12C>T

Gene: MYO15A (myosin XVA; plus strand). Cytogenetic location: 17p11.2.
Variant type: single nucleotide variant.
Coding change: c.7118-12C>T on transcript NM_016239.4 (MANE Select); 12 bases into the intron before coding-DNA position 7118, C replaced by T.
Molecular consequence: intron variant.
Genome position (GRCh38, 1-based): chr17:18,149,474, C>T. VCF-style: chr17-18149474-C-T. GRCh37 (hg19) VCF-style: chr17-18052788-C-T.
Identifiers: ClinVar variation 164547 (VCV000164547.7), dbSNP rs561546411, ClinGen allele CA177247.

ClinVar aggregate classification (germline): Likely benign. Review status: criteria provided, multiple submitters, no conflicts (2 of 4 stars). 2 submissions from 2 submitters: Likely benign (2). Last evaluated 2022-11-24.

Allele frequency attached by ClinVar (database versions not stated): gnomAD 0.00001; TOPMed 0.00001; ExAC 0.00002; gnomAD exomes 0.00002; 1000 Genomes Project 30x 0.00016; 1000 Genomes Project 0.00020.
gnomAD v4.1: 9 of 1,614,168 alleles (0.00056%); highest among the groups gnomAD compares: Admixed American, 0.0083%; no homozygotes.

Submissions (2):

Labcorp Genetics (formerly Invitae), Labcorp
Classification: Likely benign. Last evaluated: 2022-11-24. Review status: criteria provided, single submitter. Criteria: Invitae Variant Classification Sherloc (09022015). Collection method: clinical testing. Allele origin: germline.

Laboratory for Molecular Medicine, Mass General Brigham Personalized Medicine
Classification: Likely benign. Last evaluated: 2013-07-09. Review status: criteria provided, single submitter. Criteria: LMM Criteria. Collection method: clinical testing. Allele origin: germline. Observed: 1 variant allele.
Comment: c.7118-12C>T in Intron 34 of MYO15A: This variant is not expected to have clinic al significance because it does not cause the splice site sequence to diverge fr om consensus.